The following is an entry in ClinVar:

ClinVar aggregate classification (germline): Conflicting classifications of pathogenicity. Review status: criteria provided, conflicting classifications (1 of 4 stars). 2 submissions from 2 submitters: Likely pathogenic (1); Uncertain significance (1). Last evaluated 2022-02-05.

Conditions:
Jeune thoracic dystrophy. Also called: Jeune syndrome; Infantile thoracic dystrophy; Thoracic pelvic phalangeal dystrophy; Jeune's syndrome; Chondroectodermal dysplasia-like syndrome; Short-rib thoracic dysplasia. Identifiers: Orphanet 474, MedGen C0265275, MONDO:0018770.

Allele frequency attached by ClinVar (database versions not stated): gnomAD exomes below 0.00001; TOPMed 0.00002.
gnomAD v4.1: 4 of 1,606,128 alleles (0.00025%); highest among the groups gnomAD compares: African/African-American, 0.0027%; no homozygotes.

Submissions (2):

Labcorp Genetics (formerly Invitae), Labcorp
Classification: Uncertain significance for Jeune thoracic dystrophy. Last evaluated: 2022-02-05. Review status: criteria provided, single submitter. Criteria: Invitae Variant Classification Sherloc (09022015). Collection method: clinical testing. Allele origin: germline.
Comment: This sequence change replaces leucine, which is neutral and non-polar, with proline, which is neutral and non-polar, at codon 1705 of the DYNC2H1 protein (p.Leu1705Pro). The frequency data for this variant in the population databases is considered unreliable, as metrics indicate poor data quality at this position in the gnomAD database. This missense change has been observed in individual(s) with clinical features of short rib thoracic dysplasia (Aza 2017, abstract 194). ClinVar contains an entry for this variant (Variation ID: 238271). Advanced modeling of protein sequence and biophysical properties (such as structural, functional, and spatial information, amino acid conservation, physicochemical variation, residue mobility, and thermodynamic stability) performed at Invitae indicates that this missense variant is not expected to disrupt DYNC2H1 protein function. In summary, the available evidence is currently insufficient to determine the role of this variant in disease. Therefore, it has been classified as a Variant of Uncertain Significance.

GeneDx
Classification: Likely pathogenic. Last evaluated: 2017-03-16. Review status: criteria provided, single submitter. Criteria: GeneDx Variant Classification (06012015). Collection method: clinical testing. Allele origin: germline. Affected: yes.
Comment: The L1705P variant has not been published as a pathogenic variant, nor has it been reported as a benign variant to our knowledge; however, it has been observed at GeneDx in trans with another expected pathogenic variant in two affected siblings with clinical features of a DYNC2H1-related disorder. In addition, it has also been observed in two fetal demise siblings in the presence of another expected pathogenic variant in trans. The L1705P variant is not observed in large population cohorts (Lek et al., 2016; Exome Variant Server). L1705P is a semi- conservative amino acid substitution, which may impact secondary protein structure as these residues differ in some properties. This substitution occurs at a position that is conserved across species and in silico analysis predicts this variant is probably damaging to the protein structure/function. In summary, this variant is interpreted as likely pathogenic.

NM_001377.3(DYNC2H1):c.5114T>C (p.Leu1705Pro)

Gene: DYNC2H1 (dynein cytoplasmic 2 heavy chain 1; plus strand). Cytogenetic location: 11q22.3.
Variant type: single nucleotide variant.
Coding change: c.5114T>C on transcript NM_001377.3 (MANE Select); coding-DNA position 5114, T replaced by C.
Protein change: p.Leu1705Pro; replaces leucine 1705 with proline.
Molecular consequence: missense variant.
Genome position (GRCh38, 1-based): chr11:103,170,253, T>C. VCF-style: chr11-103170253-T-C. GRCh37 (hg19) VCF-style: chr11-103040982-T-C.
Other names: c.5114T>C, p.Leu1705Pro (NM_001080463.2); short protein forms L1705P.
Identifiers: ClinVar variation 238271 (VCV000238271.9), dbSNP rs878854166, ClinGen allele CA10582777.